The following is an entry in ClinVar:

ClinVar aggregate classification (germline): Benign/Likely benign. Review status: criteria provided, multiple submitters, no conflicts (2 of 4 stars). 3 submissions from 3 submitters: Benign (1); Likely benign (2). Last evaluated 2026-06-17.

Conditions:
Hereditary cancer-predisposing syndrome. Also called: Tumor predisposition; Hereditary neoplastic syndrome; Neoplastic Syndromes, Hereditary; Hereditary Cancer Syndrome. Identifiers: Orphanet 140162, MedGen C0027672, MeSH D009386, MONDO:0015356.
Polyps, multiple and recurrent inflammatory fibroid, gastrointestinal. Identifiers: MedGen C5193005, MONDO:0008285, OMIM 175510.
Gastrointestinal stromal tumor. Also called: Gastrointestinal stroma tumor; Gastrointestinal stromal tumor, somatic. Identifiers: Orphanet 44890, MedGen C0238198, MeSH D046152, MONDO:0011719, OMIM 606764, HP:0100723.

gnomAD v4.1: 3 of 1,607,986 alleles (0.00019%); highest among the groups gnomAD compares: Non-Finnish European, 0.00026%; no homozygotes.

Submissions (3):

Myriad Genetics, Inc.
Classification: Benign for Polyps, multiple and recurrent inflammatory fibroid, gastrointestinal. Last evaluated: 2026-06-17. Review status: criteria provided, single submitter. Criteria: Myriad Autosomal Dominant, Autosomal Recessive and X-Linked Classification Criteria (2023). Collection method: clinical testing. Allele origin: unknown.
Comment: This variant is considered benign. This variant is a silent/synonymous amino acid change and it is not expected to impact splicing.

Labcorp Genetics (formerly Invitae), Labcorp
Classification: Likely benign for Gastrointestinal stromal tumor. Last evaluated: 2025-12-10. Review status: criteria provided, single submitter. Criteria: Invitae Variant Classification Sherloc (09022015). Collection method: clinical testing. Allele origin: germline.

Ambry Genetics
Classification: Likely benign for Hereditary cancer-predisposing syndrome. Last evaluated: 2023-05-05. Review status: criteria provided, single submitter. Criteria: Ambry Variant Classification Scheme 2023. Collection method: clinical testing. Allele origin: germline.

NM_006206.6(PDGFRA):c.2682C>T (p.Thr894=)

Gene: PDGFRA (platelet derived growth factor receptor alpha; plus strand). Cytogenetic location: 4q12.
Variant type: single nucleotide variant.
Coding change: c.2682C>T on transcript NM_006206.6 (MANE Select); coding-DNA position 2682, C replaced by T.
Protein change: p.Thr894=; no amino-acid change (threonine 894 retained).
Molecular consequence: synonymous variant.
Genome position (GRCh38, 1-based): chr4:54,288,806, C>T. VCF-style: chr4-54288806-C-T. GRCh37 (hg19) VCF-style: chr4-55154973-C-T.
Other names: c.2757C>T, p.Thr919= (NM_001347828.2); c.2682C>T, p.Thr894= (NM_001347829.2); c.2721C>T, p.Thr907= (NM_001347830.2).
Identifiers: ClinVar variation 459065 (VCV000459065.15), dbSNP rs951449551, ClinGen allele CA96868796.